The following is an entry in ClinVar:

ClinVar aggregate classification (germline): Uncertain significance (1 of 4 stars; one submission).

Submission:

Labcorp Genetics (formerly Invitae), Labcorp
Classification: Uncertain significance. Last evaluated: 2024-07-04. Review status: criteria provided, single submitter. Criteria: Invitae Variant Classification Sherloc (09022015). Collection method: clinical testing. Allele origin: germline.
Comment: This sequence change affects a donor splice site in intron 19 of the SLC4A1 gene. While this variant is not anticipated to result in nonsense mediated decay, it likely alters RNA splicing and results in a disrupted protein product. This variant is not present in population databases (gnomAD no frequency). Disruption of this splice site has been observed in individual(s) with hereditary spherocytosis (PMID: 23255290, 32436265). Variants that disrupt the consensus splice site are a relatively common cause of aberrant splicing (PMID: 17576681, 9536098). Algorithms developed to predict the effect of sequence changes on RNA splicing suggest that this variant may disrupt the consensus splice site. In summary, the available evidence is currently insufficient to determine the role of this variant in disease. Therefore, it has been classified as a Variant of Uncertain Significance.

Literature cited by the submitters: PubMed 23255290; PubMed 32436265; PubMed 17576681; PubMed 9536098.

NM_000342.4(SLC4A1):c.2655+1G>A

Gene: SLC4A1 (solute carrier family 4 member 1 (Diego blood group); minus strand). Cytogenetic location: 17q21.31.
Variant type: single nucleotide variant.
Coding change: c.2655+1G>A on transcript NM_000342.4 (MANE Select); the canonical splice donor site of the intron after coding-DNA position 2655, G replaced by A.
Molecular consequence: splice donor variant.
Genome position (GRCh38, 1-based): chr17:44,251,158, C>T on the plus strand (G>A on the coding strand, the complement: SLC4A1 is on the minus strand). VCF-style: chr17-44251158-C-T. GRCh37 (hg19) VCF-style: chr17-42328526-C-T.
Identifiers: ClinVar variation 3722818 (VCV003722818.2).
Genomic context (GRCh38, chr17:44,251,158, plus strand): 5'-TCTGAGACGCGCCCCTCGCATGCTCCCAGCTCTTGTGCCCCAGGCCCAGGCAGCCACTCA[C>T]ACACTGAAGCTCCACGTTCCTGAAGATGAGCGGCAGCAGGACGCGCCGCAGCGGCACAGT-3'